The following is an entry in ClinVar:

NM_022437.3(ABCG8):c.2T>C (p.Met1Thr)

Genes: ABCG5 (ATP binding cassette subfamily G member 5; minus strand), ABCG8 (ATP binding cassette subfamily G member 8; plus strand). Cytogenetic location: 2p21.
Variant type: single nucleotide variant.
Coding change: c.2T>C on transcript NM_022437.3 (MANE Select); coding-DNA position 2, T replaced by C.
Protein change: p.Met1Thr; changes the start codon (methionine 1).
Molecular consequence: missense variant, initiator codon variant.
Genome position (GRCh38, 1-based): chr2:43,839,055, T>C. VCF-style: chr2-43839055-T-C. GRCh37 (hg19) VCF-style: chr2-44066194-T-C.
Other names: c.2T>C, p.Met1Thr (NM_001357321.2); c.2T>C (NM_022437.2); short protein forms M1T.
Identifiers: ClinVar variation 1677567 (VCV001677567.27), dbSNP rs538699999, ClinGen allele CA1636850.

ClinVar aggregate classification (germline): Conflicting classifications of pathogenicity. Review status: criteria provided, conflicting classifications (1 of 4 stars). 7 submissions from 7 submitters: Likely pathogenic (3); Uncertain significance (3). 1 of the submissions does not count toward it. Last evaluated 2026-05-27.

Conditions:
Sitosterolemia 1. Identifiers: MedGen C2749759, MONDO:0020747, OMIM 210250.
ABCG8-related disorder. Also called: ABCG8-related condition.

Allele frequency attached by ClinVar (database versions not stated): gnomAD 0.00003; gnomAD exomes 0.00006 and 0.00019; 1000 Genomes Project 30x 0.00016; 1000 Genomes Project 0.00020; ExAC 0.00072.
gnomAD v4.1: 91 of 1,550,914 alleles (0.0059%); highest among the groups gnomAD compares: South Asian, 0.1%; no homozygotes.

Submissions (7):

PreventionGenetics, part of Exact Sciences
Classification: Uncertain significance for ABCG8-related condition. Last evaluated: 2026-05-27. Review status: criteria provided, single submitter. Criteria: ACMG Guidelines, 2015. Collection method: clinical testing. Allele origin: germline.
Comment: The ABCG8 c.2T>C variant is predicted to disrupt the translation initiation site (Start loss). To our knowledge, this variant has not been reported in the literature. This variant is reported in 0.13% of alleles in individuals of South Asian descent in gnomAD. The next potential in-frame start codon (ATG) is located at p.Met73 in exon 3 and, to our knowledge, this is not a start codon in any alternate transcripts of ABCG8. Loss of function variants are documented upstream of p.Met73. Although we suspect that this variant may be pathogenic, at this time, the clinical significance of this variant is uncertain due to the absence of conclusive functional and genetic evidence.

CeGaT Center for Human Genetics Tuebingen
Classification: Uncertain significance. Last evaluated: 2026-03-01. Review status: criteria provided, single submitter. Criteria: CeGaT Center For Human Genetics Tuebingen Variant Classification Criteria Version 2. Collection method: clinical testing. Allele origin: germline. Affected: yes. Observed: 1 variant allele.
Comment: ABCG8: PM2, PVS1:Moderate, PM3:Supporting

Revvity Omics, Revvity
Classification: Uncertain significance for Sitosterolemia 1. Last evaluated: 2024-11-06. Review status: criteria provided, single submitter. Criteria: ACMG Guidelines, 2015. Collection method: clinical testing. Allele origin: germline.

Blueprint Genetics
Classification: Likely pathogenic for ABCG8-related disorders. Last evaluated: 2024-06-14. Review status: criteria provided, single submitter. Criteria: ACMG Guidelines, 2015. Collection method: clinical testing. Allele origin: germline. Affected: yes. Observed: 2 variant alleles.

AiLife Diagnostics
Classification: Likely pathogenic. Last evaluated: 2021-10-12. Review status: criteria provided, single submitter. Criteria: ACMG Guidelines, 2015. Collection method: clinical testing. Allele origin: germline. Affected: yes. Observed: 1 variant allele.

Arcensus
Classification: Likely pathogenic for Sitosterolemia 1. Last evaluated: 2013-02-01. Review status: criteria provided, single submitter. Criteria: ACMG Guidelines, 2015. Collection method: clinical testing. Allele origin: germline. Affected: yes.

Amrita Institute of Medical Sciences and Research Centre, Amrita Vishwa Vidyapeetham
Classification: Likely pathogenic for Sitosterolemia 1. Last evaluated: 2023-01-01. Review status: no assertion criteria provided. Collection method: clinical testing. Allele origin: germline. Affected: yes. Not counted in ClinVar's aggregate classification.
Comment: previously reported by SCV002564565